The following is an entry in ClinVar:

ClinVar aggregate classification (germline): Pathogenic (1 of 4 stars; one submission).

Conditions:
Familial intrahepatic cholestasis. Identifiers: Orphanet 284385, MedGen CN296401, MONDO:0017290.

Submission:

Genomenon, Inc
Classification: Pathogenic for Familial intrahepatic cholestasis. Last evaluated: 2026-04-14. Review status: criteria provided, single submitter. Criteria: Genomenon Sequence Variant Interpretation Standards - Updated. Collection method: curation. Allele origin: germline. Affected: yes.
Comment: ATP8B1 p.Lys520Ter (c.1558A>T) is a nonsense variant that introduces a premature stop codon at amino acid position 520, creating a truncated protein that is predicted to undergo nonsense-mediated mRNA decay. This variant has been observed in at least one proband with features of ATP8B1-deficiency (PMID:32184942). It is absent or not present at a significant frequency in gnomAD. In conclusion, we classify ATP8B1 p.Lys520Ter (c.1558A>T) as a pathogenic variant.

Literature cited by the submitters: PubMed 32184942.

NM_001374385.1(ATP8B1):c.1558A>T (p.Lys520Ter)

Gene: ATP8B1 (ATPase phospholipid transporting 8B1; minus strand). Cytogenetic location: 18q21.31.
Variant type: single nucleotide variant.
Coding change: c.1558A>T on transcript NM_001374385.1 (MANE Select); coding-DNA position 1558, A replaced by T.
Protein change: p.Lys520Ter; replaces lysine 520 with a stop codon.
Molecular consequence: nonsense.
Genome position (GRCh38, 1-based): chr18:57,684,108, T>A on the plus strand (A>T on the coding strand, the complement: ATP8B1 is on the minus strand). VCF-style: chr18-57684108-T-A. GRCh37 (hg19) VCF-style: chr18-55351340-T-A.
Other names: c.1408A>T, p.Lys470Ter (NM_001374386.1); c.1558A>T, p.Lys520Ter (NM_005603.6); short protein forms K470*, K520*.
Identifiers: ClinVar variation 4846238 (VCV004846238.1).